The following is an entry in ClinVar:

ClinVar aggregate classification (germline): Uncertain significance. Review status: criteria provided, multiple submitters, no conflicts (2 of 4 stars). 3 submissions from 3 submitters: Uncertain significance (3). Last evaluated 2025-05-14.

Conditions:
Congenital disorder of glycosylation with defective fucosylation 2 (CDGF2). Identifiers: MedGen C5193028, MONDO:0020777, OMIM 618324.

Allele frequency attached by ClinVar (database versions not stated): ExAC 0.00002; gnomAD exomes 0.00002; gnomAD 0.00004; TOPMed 0.00006; 1000 Genomes Project 0.00020; 1000 Genomes Project 30x 0.00031.

Submissions (3):

Labcorp Genetics (formerly Invitae), Labcorp
Classification: Uncertain significance. Last evaluated: 2025-05-14. Review status: criteria provided, single submitter. Criteria: Invitae Variant Classification Sherloc (09022015). Collection method: clinical testing. Allele origin: germline.
Comment: This sequence change replaces arginine, which is basic and polar, with glutamine, which is neutral and polar, at codon 74 of the FUK protein (p.Arg74Gln). This variant is present in population databases (rs558228101, gnomAD 0.009%). This variant has not been reported in the literature in individuals affected with FUK-related conditions. ClinVar contains an entry for this variant (Variation ID: 1985410). An algorithm developed to predict the effect of missense changes on protein structure and function outputs the following: PolyPhen-2: "Benign". The glutamine amino acid residue is found in multiple mammalian species, which suggests that this missense change does not adversely affect protein function. In summary, the available evidence is currently insufficient to determine the role of this variant in disease. Therefore, it has been classified as a Variant of Uncertain Significance.

Ambry Genetics
Classification: Uncertain significance. Last evaluated: 2021-10-18. Review status: criteria provided, single submitter. Criteria: Ambry Variant Classification Scheme 2023. Collection method: clinical testing. Allele origin: germline.

Neuberg Centre For Genomic Medicine, NCGM
Classification: Uncertain significance for Congenital disorder of glycosylation with defective fucosylation 2. Review status: criteria provided, single submitter. Criteria: ACMG Guidelines, 2015. Collection method: clinical testing. Allele origin: germline. Inheritance: Autosomal recessive inheritance. Affected: yes.
Comment: The missense variant c.221G>Ap.Arg74Gln in the FCSK gene has not been reported previously as a pathogenic variant nor as a benign variant, to our knowledge. This variant is reported with the allele frequency 0.001% in the gnomAD Exomes and novel not in any individuals in 1000 Genomes. This variant has been reported to the ClinVar database as Uncertain Significance. However, no details are available for independent assessment. The amino acid Arginine at position 74 is changed to a Glutamine changing protein sequence and it might alter its composition and physico- chemical properties. The amino acid change p.Arg74Gln in FCSK is predicted as conserved by GERP++ and PhyloP across 100 vertebrates. For these reasons, this variant has been classified as Uncertain Significance.

NM_145059.3(FCSK):c.221G>A (p.Arg74Gln)

Gene: FCSK (fucose kinase; plus strand). Cytogenetic location: 16q22.1.
Variant type: single nucleotide variant.
Coding change: c.221G>A on transcript NM_145059.3 (MANE Select); coding-DNA position 221, G replaced by A.
Protein change: p.Arg74Gln; replaces arginine 74 with glutamine.
Molecular consequence: missense variant.
Genome position (GRCh38, 1-based): chr16:70,463,761, G>A. VCF-style: chr16-70463761-G-A. GRCh37 (hg19) VCF-style: chr16-70497664-G-A.
Other names: c.221G>A (NM_145059.2); short protein forms R74Q.
Identifiers: ClinVar variation 1985410 (VCV001985410.6), dbSNP rs558228101, ClinGen allele CA8142767.